The following is an entry in ClinVar:

NM_016204.4(GDF2):c.-3A>G

Gene: GDF2 (growth differentiation factor 2; plus strand). Cytogenetic location: 10q11.22.
Variant type: single nucleotide variant.
Coding change: c.-3A>G on transcript NM_016204.4 (MANE Select); 3 bases upstream of the start codon, A replaced by G.
Molecular consequence: 5 prime UTR variant.
Genome position (GRCh38, 1-based): chr10:47,322,666, A>G. VCF-style: chr10-47322666-A-G. GRCh37 (hg19) VCF-style: chr10-48416696-T-C.
Identifiers: ClinVar variation 4614247 (VCV004614247.1).

ClinVar aggregate classification (germline): Uncertain significance (1 of 4 stars; one submission).

Conditions:
Cardiovascular phenotype. Identifiers: MedGen CN230736.

gnomAD v4.1: 119 of 1,529,826 alleles (0.0078%); highest among the groups gnomAD compares: Non-Finnish European, 0.01%; no homozygotes.

Submission:

Ambry Genetics
Classification: Uncertain significance for Cardiovascular phenotype. Last evaluated: 2025-10-24. Review status: criteria provided, single submitter. Criteria: Ambry Variant Classification Scheme 2023. Collection method: clinical testing. Allele origin: germline.
Comment: The c.-3A>G variant is located in the 5' untranslated region (5&rsquo; UTR) of the GDF2 gene. This variant results from an A to G substitution 3 bases upstream from the first translated codon. This nucleotide position is highly conserved in available vertebrate species. Based on the available evidence, the clinical significance of this variant remains unclear.